The following is an entry in ClinVar:

ClinVar aggregate classification (germline): Uncertain significance (1 of 4 stars; one submission).

Allele frequency attached by ClinVar (database versions not stated): gnomAD exomes below 0.00001.
gnomAD v4.1: 1 of 1,614,140 alleles (0.000062%); highest among the groups gnomAD compares: Non-Finnish European, 0.000085%; no homozygotes.

Submission:

Labcorp Genetics (formerly Invitae), Labcorp
Classification: Uncertain significance. Last evaluated: 2022-10-24. Review status: criteria provided, single submitter. Criteria: Invitae Variant Classification Sherloc (09022015). Collection method: clinical testing. Allele origin: germline.
Comment: In summary, the available evidence is currently insufficient to determine the role of this variant in disease. Therefore, it has been classified as a Variant of Uncertain Significance. Algorithms developed to predict the effect of missense changes on protein structure and function (SIFT, PolyPhen-2, Align-GVGD) all suggest that this variant is likely to be tolerated. ClinVar contains an entry for this variant (Variation ID: 1485516). This variant has not been reported in the literature in individuals affected with PHYH-related conditions. This variant is not present in population databases (gnomAD no frequency). This sequence change replaces histidine, which is basic and polar, with arginine, which is basic and polar, at codon 179 of the PHYH protein (p.His179Arg).

NM_006214.4(PHYH):c.536A>G (p.His179Arg)

Gene: PHYH (phytanoyl-CoA 2-hydroxylase; minus strand). Cytogenetic location: 10p13.
Variant type: single nucleotide variant.
Coding change: c.536A>G on transcript NM_006214.4 (MANE Select); coding-DNA position 536, A replaced by G.
Protein change: p.His179Arg; replaces histidine 179 with arginine.
Molecular consequence: missense variant. On other transcripts: intron variant (1).
Genome position (GRCh38, 1-based): chr10:13,288,502, T>C on the plus strand (A>G on the coding strand, the complement: PHYH is on the minus strand). VCF-style: chr10-13288502-T-C. GRCh37 (hg19) VCF-style: chr10-13330502-T-C.
Other names: c.236A>G, p.His79Arg (NM_001037537.2, NM_001323080.2); c.542A>G, p.His181Arg (NM_001323082.2); c.242A>G, p.His81Arg (NM_001323084.2); c.415-4663A>G (NM_001323083.2); short protein forms H79R, H179R, H181R, H81R.
Identifiers: ClinVar variation 1485516 (VCV001485516.8), dbSNP rs2131640844, ClinGen allele CA376035714.